The following is an entry in ClinVar:

ClinVar aggregate classification (germline): Uncertain significance. Review status: criteria provided, multiple submitters, no conflicts (2 of 4 stars). 2 submissions from 2 submitters: Uncertain significance (2). Last evaluated 2025-12-29.

Conditions:
Inborn genetic diseases. Identifiers: MedGen C0950123, MeSH D030342.

Submissions (2):

Women's Health and Genetics/Laboratory Corporation of America, LabCorp
Classification: Uncertain significance. Last evaluated: 2025-12-29. Review status: criteria provided, single submitter. Criteria: LabCorp Variant Classification Summary - May 2015. Collection method: clinical testing. Allele origin: germline.
Comment: Variant summary: SLC12A2 c.1150G>A (p.Val384Met) results in a conservative amino acid change in the encoded protein sequence. Algorithms developed to predict the effect of missense changes on protein structure and function are either unavailable or do not agree on the potential impact of this missense change. The variant was absent in 251492 control chromosomes. The available data on variant occurrences in the general population are insufficient to allow any conclusion about variant significance. To our knowledge, no occurrence of c.1150G>A in individuals affected with SLC12A2-related conditions and no experimental evidence demonstrating its impact on protein function have been reported. ClinVar contains an entry for this variant (Variation ID: 3955089). Based on the evidence outlined above, the variant was classified as uncertain significance.

Ambry Genetics
Classification: Uncertain significance for Inborn genetic diseases. Last evaluated: 2025-04-08. Review status: criteria provided, single submitter. Criteria: Ambry Variant Classification Scheme 2023. Collection method: clinical testing. Allele origin: germline.

NM_001046.3(SLC12A2):c.1150G>A (p.Val384Met)

Gene: SLC12A2 (solute carrier family 12 member 2; plus strand). Cytogenetic location: 5q23.3.
Variant type: single nucleotide variant.
Coding change: c.1150G>A on transcript NM_001046.3 (MANE Select); coding-DNA position 1150, G replaced by A.
Protein change: p.Val384Met; replaces valine 384 with methionine.
Molecular consequence: missense variant. On other transcripts: non-coding transcript variant (1).
Genome position (GRCh38, 1-based): chr5:128,131,168, G>A. VCF-style: chr5-128131168-G-A. GRCh37 (hg19) VCF-style: chr5-127466860-G-A.
Other names: c.1150G>A, p.Val384Met (NM_001256461.2); short protein forms V384M.
Identifiers: ClinVar variation 3955089 (VCV003955089.2).